The following is an entry in ClinVar:

NM_001042492.3(NF1):c.2122del (p.Ser708fs)

Gene: NF1 (neurofibromin 1; plus strand). Cytogenetic location: 17q11.2.
Variant type: Deletion.
Coding change: c.2122del on transcript NM_001042492.3 (MANE Select); coding-DNA position 2122, one base deleted (T; older notation c.2122delT).
Protein change: p.Ser708fs; shifts the reading frame from serine 708.
Molecular consequence: frameshift variant.
Genome position (GRCh38, 1-based): chr17:31,226,555, T deleted. VCF-style (leftmost placement, unchanged base first): chr17-31226554-GT-G. GRCh37 (hg19) VCF-style: chr17-29553572-GT-G.
Other names: c.2122delT (NM_000267.3); c.2122delT, p.Ser708Profs (NM_000267.4); short protein forms S708fs.
Identifiers: ClinVar variation 646410 (VCV000646410.5), dbSNP rs1597712535, ClinGen allele CA915949727.

ClinVar aggregate classification (germline): Pathogenic (1 of 4 stars; one submission).

Conditions:
Neurofibromatosis, type 1 (NF1). Also called: NEUROFIBROMATOSIS, TYPE I, SOMATIC; VON RECKLINGHAUSEN DISEASE; Neurofibromatosis, type I; Peripheral type neurofibromatosis. Identifiers: Orphanet 636, MedGen C0027831, MONDO:0018975, OMIM 162200. Disease mechanism: loss of function.

Submission:

Labcorp Genetics (formerly Invitae), Labcorp
Classification: Pathogenic for Neurofibromatosis, type 1. Last evaluated: 2018-09-12. Review status: criteria provided, single submitter. Criteria: Invitae Variant Classification Sherloc (09022015). Collection method: clinical testing. Allele origin: germline.
Comment: This variant is not present in population databases (ExAC no frequency). For these reasons, this variant has been classified as Pathogenic. Loss-of-function variants in NF1 are known to be pathogenic (PMID: 10712197, 23913538). This variant has not been reported in the literature in individuals with NF1-related disease. This sequence change creates a premature translational stop signal (p.Ser708Profs*40) in the NF1 gene. It is expected to result in an absent or disrupted protein product.

Literature cited by the submitters: PubMed 10712197; PubMed 23913538.